The following is an entry in ClinVar:

NM_000051.4(ATM):c.920_921del (p.Lys307fs)

Gene: ATM (ATM serine/threonine kinase; plus strand). Cytogenetic location: 11q22.3.
Variant type: Deletion.
Coding change: c.920_921del on transcript NM_000051.4 (MANE Select); coding-DNA positions 920 to 921, 2 bases deleted (AA; older notation c.920_921delAA).
Protein change: p.Lys307fs; shifts the reading frame from lysine 307.
Molecular consequence: frameshift variant.
Genome position (GRCh38, 1-based): chr11:108,246,982-108,246,983, AA deleted; deleting any 2 consecutive bases within chr11:108,246,980-108,246,983 gives the same sequence; the c. name uses the placement nearest the transcript's 3' end. VCF-style (leftmost placement, unchanged base first): chr11-108246979-CAA-C. GRCh37 (hg19) VCF-style: chr11-108117706-CAA-C.
Other names: c.920_921delAA (NM_000051.3); c.920_921del, p.Lys307fs (NM_001351834.2); short protein forms K307fs.
Identifiers: ClinVar variation 1075286 (VCV001075286.11), dbSNP rs2135264840, ClinGen allele CA2499220555.

ClinVar aggregate classification (germline): Pathogenic/Likely pathogenic. Review status: criteria provided, multiple submitters, no conflicts (2 of 4 stars). 3 submissions from 3 submitters: Pathogenic (2); Likely pathogenic (1). Last evaluated 2025-03-18.

Conditions:
Hereditary cancer-predisposing syndrome. Also called: Neoplastic Syndromes, Hereditary; Hereditary neoplastic syndrome; Tumor predisposition; Hereditary Cancer Syndrome. Identifiers: Orphanet 140162, MedGen C0027672, MeSH D009386, MONDO:0015356.
Familial cancer of breast. Also called: Hereditary breast cancer; hereditary breast carcinoma; BREAST CANCER, FAMILIAL. Identifiers: Orphanet 227535, MedGen C0346153, MONDO:0016419, OMIM 114480. Disease mechanism: loss of function.
Ataxia-telangiectasia syndrome (AT). Also called: AT, COMPLEMENTATION GROUP C; Cerebello-oculocutaneous telangiectasia; Immunodeficiency with ataxia telangiectasia; ATAXIA-TELANGIECTASIA, COMPLEMENTATION GROUP A; ATAXIA-TELANGIECTASIA, FRESNO VARIANT; Ataxia telangiectasia (A-T). Identifiers: Orphanet 100, MedGen C0004135, MONDO:0008840, OMIM 208900.

Submissions (3):

Labcorp Genetics (formerly Invitae), Labcorp
Classification: Pathogenic for Ataxia-telangiectasia syndrome. Last evaluated: 2025-03-18. Review status: criteria provided, single submitter. Criteria: Invitae Variant Classification Sherloc (09022015). Collection method: clinical testing. Allele origin: germline.
Comment: This sequence change creates a premature translational stop signal (p.Lys307Metfs*10) in the ATM gene. It is expected to result in an absent or disrupted protein product. Loss-of-function variants in ATM are known to be pathogenic (PMID: 23807571, 25614872). This variant is not present in population databases (gnomAD no frequency). This variant has not been reported in the literature in individuals affected with ATM-related conditions. ClinVar contains an entry for this variant (Variation ID: 1075286). For these reasons, this variant has been classified as Pathogenic.

Ambry Genetics
Classification: Pathogenic for Hereditary cancer-predisposing syndrome. Last evaluated: 2024-06-25. Review status: criteria provided, single submitter. Criteria: Ambry Variant Classification Scheme 2023. Collection method: clinical testing. Allele origin: germline.
Comment: The c.920_921delAA pathogenic mutation, located in coding exon 7 of the ATM gene, results from a deletion of two nucleotides at nucleotide positions 920 to 921, causing a translational frameshift with a predicted alternate stop codon (p.K307Mfs*10). This variant is considered to be rare based on population cohorts in the Genome Aggregation Database (gnomAD). This alteration is expected to result in loss of function by premature protein truncation or nonsense-mediated mRNA decay. As such, this alteration is interpreted as a disease-causing mutation.

Juno Genomics, Hangzhou Juno Genomics, Inc
Classification: Likely pathogenic for Familial cancer of breast; Ataxia-telangiectasia syndrome. Review status: criteria provided, single submitter. Criteria: ACMG Guidelines, 2015. Collection method: clinical testing. Allele origin: germline.
Comment: Absent from controls (or at extremely low frequency if recessive) in Genome Aggregation Database.;Null variant in a gene where loss of function (LOF) is a known mechanism of disease.

Literature cited by the submitters: PubMed 23807571 (cited by Labcorp Genetics (formerly Invitae), Labcorp); PubMed 25614872 (cited by Labcorp Genetics (formerly Invitae), Labcorp).